The following is an entry in ClinVar:

ClinVar aggregate classification (germline): Pathogenic (1 of 4 stars; one submission).

Conditions:
Familial adenomatous polyposis 1 (FAP1). Also called: POLYPOSIS, ADENOMATOUS INTESTINAL; FAMILIAL ADENOMATOUS POLYPOSIS 1, ATTENUATED. Identifiers: MedGen C2713442, MONDO:0021056, OMIM 175100. Disease mechanism: loss of function.

Submission:

Myriad Genetics, Inc.
Classification: Pathogenic for Familial adenomatous polyposis 1. Last evaluated: 2023-05-03. Review status: criteria provided, single submitter. Criteria: Myriad Autosomal Dominant, Autosomal Recessive and X-Linked Classification Criteria (2023). Collection method: clinical testing. Allele origin: unknown.
Comment: This variant is considered pathogenic. This variant creates a frameshift predicted to result in premature protein truncation.

NM_000038.6(APC):c.1840dup (p.Ala614fs)

Gene: APC (APC regulator of Wnt signaling pathway; plus strand). Cytogenetic location: 5q22.2.
Variant type: Duplication.
Coding change: c.1840dup on transcript NM_000038.6 (MANE Select); coding-DNA position 1840, one base duplicated (G; older notation c.1840dupG).
Protein change: p.Ala614fs; shifts the reading frame from alanine 614.
Molecular consequence: frameshift variant. On other transcripts: non-coding transcript variant (2).
Genome position (GRCh38, 1-based): chr5:112,835,047, G duplicated. VCF-style (leftmost placement, unchanged base first): chr5-112835046-T-TG. GRCh37 (hg19) VCF-style: chr5-112170743-T-TG.
Other names: c.1840dup, p.Ala614fs (NM_001127510.3, NM_001354895.2, NM_001407450.1); c.1786dup, p.Ala596fs (NM_001127511.3); c.1894dup, p.Ala632fs (NM_001354896.2, NM_001407447.1, NM_001407448.1 and 1 more transcripts); c.1870dup, p.Ala624fs (NM_001354897.2); c.1765dup, p.Ala589fs (NM_001354898.2); c.1756dup, p.Ala586fs (NM_001354899.2); c.1717dup, p.Ala573fs (NM_001354900.2); c.1663dup, p.Ala555fs (NM_001354901.2, NM_001407453.1); and 11 more; short protein forms A230fs, A331fs, A454fs, A485fs, A488fs, A513fs, A523fs, A531fs.
Identifiers: ClinVar variation 2583339 (VCV002583339.1), dbSNP rs2533337102, ClinGen allele CA658760579.